The following is an entry in ClinVar:

NM_182914.3(SYNE2):c.2560C>G (p.Gln854Glu)

Gene: SYNE2 (spectrin repeat containing nuclear envelope protein 2; plus strand). Cytogenetic location: 14q23.2.
Variant type: single nucleotide variant.
Coding change: c.2560C>G on transcript NM_182914.3 (MANE Select); coding-DNA position 2560, C replaced by G.
Protein change: p.Gln854Glu; replaces glutamine 854 with glutamic acid.
Molecular consequence: missense variant.
Genome position (GRCh38, 1-based): chr14:63,991,029, C>G. VCF-style: chr14-63991029-C-G. GRCh37 (hg19) VCF-style: chr14-64457747-C-G.
Other names: c.2560C>G, p.Gln854Glu (NM_015180.6); short protein forms Q854E.
Identifiers: ClinVar variation 281307 (VCV000281307.45), dbSNP rs34449017, ClinGen allele CA7219732.
Genomic context (GRCh38, chr14:63,991,029, plus strand): 5'-TTGAAGAACTTAACTGACGTTTCACCAGATTTGGACATCAGGCTGAAGATGGAAGAATCC[C>G]AGAAGGAACTTGAATCATATATGATGAGGGCTCAGCAGTTACTGGGGCAAAGAGAGAGCC-3'
Protein context (NP_878918.2, residues 844-864): LDIRLKMEES[Gln854Glu]KELESYMMRA

ClinVar aggregate classification (germline): Benign/Likely benign. Review status: criteria provided, multiple submitters, no conflicts (2 of 4 stars). 6 submissions from 6 submitters: Benign (1); Likely benign (5). Last evaluated 2026-09-01.

Conditions:
Emery-Dreifuss muscular dystrophy 5, autosomal dominant (EDMD5). Also called: EMERY-DREIFUSS MUSCULAR DYSTROPHY 5. Identifiers: Orphanet 261, MedGen C2751805, MONDO:0013072, OMIM 612999.

Allele frequency attached by ClinVar (database versions not stated): 1000 Genomes Project 0.00140; 1000 Genomes Project 30x 0.00156; ExAC 0.00217; gnomAD exomes 0.00228; TOPMed 0.00242; gnomAD 0.00248 and 0.00250; ESP Exome Variant Server 0.00404.
gnomAD v4.1: 6,006 of 1,614,082 alleles (0.37%); highest among the groups gnomAD compares: Non-Finnish European, 0.45%; 14 homozygotes.

Submissions (6):

CeGaT Center for Human Genetics Tuebingen
Classification: Likely benign. Last evaluated: 2026-09-01. Review status: criteria provided, single submitter. Criteria: CeGaT Center For Human Genetics Tuebingen Variant Classification Criteria Version 2. Collection method: clinical testing. Allele origin: germline. Affected: yes. Observed: 7 variant alleles.
Comment: SYNE2: BP4, BS2

Labcorp Genetics (formerly Invitae), Labcorp
Classification: Likely benign for Emery-Dreifuss muscular dystrophy 5, autosomal dominant. Last evaluated: 2026-02-01. Review status: criteria provided, single submitter. Criteria: Invitae Variant Classification Sherloc (09022015). Collection method: clinical testing. Allele origin: germline.

Blueprint Genetics
Classification: Likely benign. Last evaluated: 2024-11-26. Review status: criteria provided, single submitter. Criteria: ACMG Guidelines, 2015. Collection method: clinical testing. Allele origin: germline.

Illumina Laboratory Services, Illumina
Classification: Benign for Emery-Dreifuss muscular dystrophy 5, autosomal dominant. Last evaluated: 2018-01-12. Review status: criteria provided, single submitter. Criteria: ICSL Variant Classification Criteria 13 December 2019. Collection method: clinical testing. Allele origin: germline.
Comment: This variant was observed in the ICSL laboratory as part of a predisposition screen in an ostensibly healthy population. It had not been previously curated by ICSL or reported in the Human Gene Mutation Database (HGMD: prior to June 1st, 2018), and was therefore a candidate for classification through an automated scoring system. Utilizing variant allele frequency, disease prevalence and penetrance estimates, and inheritance mode, an automated score was calculated to assess if this variant is too frequent to cause the disease. Based on the score and internal cut-off values, a variant classified as benign is not then subjected to further curation. The score for this variant resulted in a classification of benign for this disease.

Eurofins Ntd Llc (ga)
Classification: Likely benign. Last evaluated: 2015-09-11. Review status: criteria provided, single submitter. Criteria: EGL Classification Definitions 2015. Collection method: clinical testing. Allele origin: germline. Observed: 7 variant alleles, 7 heterozygotes.

Breakthrough Genomics
Classification: Likely benign. Review status: criteria provided, single submitter. Criteria: ACMG Guidelines, 2015. Collection method: not provided. Allele origin: germline. Inheritance: Autosomal dominant inheritance. Affected: yes.